The following is an entry in ClinVar:

ClinVar aggregate classification (germline): Uncertain significance. Review status: criteria provided, multiple submitters, no conflicts (2 of 4 stars). 3 submissions from 3 submitters: Uncertain significance (3). Last evaluated 2024-10-25.

Conditions:
Cardiovascular phenotype. Identifiers: MedGen CN230736.
Brugada syndrome 4 (BRGDA4). Identifiers: Orphanet 130, MedGen C2678477, MONDO:0012743, OMIM 611876.

Allele frequency attached by ClinVar (database versions not stated): gnomAD exomes below 0.00001 and 0.00001; TOPMed below 0.00001; ExAC 0.00001.
gnomAD v4.1: 10 of 1,613,976 alleles (0.00062%); highest among the groups gnomAD compares: South Asian, 0.0033%; no homozygotes.

Submissions (3):

Ambry Genetics
Classification: Uncertain significance for Cardiovascular phenotype. Last evaluated: 2024-10-25. Review status: criteria provided, single submitter. Criteria: Ambry Variant Classification Scheme 2023. Collection method: clinical testing. Allele origin: germline.

Fulgent Genetics
Classification: Uncertain significance for Brugada syndrome 4. Last evaluated: 2021-08-10. Review status: criteria provided, single submitter. Criteria: ACMG Guidelines, 2015. Collection method: clinical testing. Allele origin: unknown.

Labcorp Genetics (formerly Invitae), Labcorp
Classification: Uncertain significance for Brugada syndrome 4. Last evaluated: 2021-01-20. Review status: criteria provided, single submitter. Criteria: Invitae Variant Classification Sherloc (09022015). Collection method: clinical testing. Allele origin: germline.
Comment: This sequence change replaces alanine with threonine at codon 51 of the CACNB2 protein (p.Ala51Thr). The alanine residue is highly conserved and there is a small physicochemical difference between alanine and threonine. This variant is present in population databases (rs773650491, ExAC 0.006%). This variant has not been reported in the literature in individuals with CACNB2-related conditions. Algorithms developed to predict the effect of missense changes on protein structure and function (SIFT, PolyPhen-2, Align-GVGD) all suggest that this variant is likely to be tolerated, but these predictions have not been confirmed by published functional studies and their clinical significance is uncertain. In summary, the available evidence is currently insufficient to determine the role of this variant in disease. Therefore, it has been classified as a Variant of Uncertain Significance.

NM_201596.3(CACNB2):c.313G>A (p.Ala105Thr)

Gene: CACNB2 (calcium voltage-gated channel auxiliary subunit beta 2; plus strand). Cytogenetic location: 10p12.31.
Variant type: single nucleotide variant.
Coding change: c.313G>A on transcript NM_201596.3 (MANE Select); coding-DNA position 313, G replaced by A.
Protein change: p.Ala105Thr; replaces alanine 105 with threonine.
Molecular consequence: missense variant.
Genome position (GRCh38, 1-based): chr10:18,402,023, G>A. VCF-style: chr10-18402023-G-A. GRCh37 (hg19) VCF-style: chr10-18690952-G-A.
Other names: c.148G>A, p.Ala50Thr (NM_000724.4, NM_001330060.2); c.229G>A, p.Ala77Thr (NM_001167945.2, NM_201571.4, NM_201572.4); c.169G>A, p.Ala57Thr (NM_201570.3); c.151G>A, p.Ala51Thr (NM_201590.3); c.313G>A, p.Ala105Thr (NM_201593.3, NM_201597.3); c.151G>A (NM_201590.2); short protein forms A105T, A50T, A51T, A57T, A77T.
Identifiers: ClinVar variation 1372509 (VCV001372509.10), dbSNP rs773650491, ClinGen allele CA5429556.